The following is an entry in ClinVar:

NM_005391.5(PDK3):c.434C>G (p.Thr145Ser)

Gene: PDK3 (pyruvate dehydrogenase kinase 3; plus strand). Cytogenetic location: Xp22.11.
Variant type: single nucleotide variant.
Coding change: c.434C>G on transcript NM_005391.5 (MANE Select); coding-DNA position 434, C replaced by G.
Protein change: p.Thr145Ser; replaces threonine 145 with serine.
Molecular consequence: missense variant.
Genome position (GRCh38, 1-based): chrX:24,503,440, C>G. VCF-style: chrX-24503440-C-G. GRCh37 (hg19) VCF-style: chrX-24521557-C-G.
Other names: c.434C>G, p.Thr145Ser (NM_001142386.3); short protein forms T145S.
Identifiers: ClinVar variation 2171752 (VCV002171752.4), dbSNP rs1186559746, ClinGen allele CA412605368.
Genomic context (GRCh38, chrX:24,503,440, plus strand): 5'-CAATGGCACAAGGAGTGATTGAATACAAGGAGAAGTTTGGGTTTGATCCTTTCATTAGCA[C>G]TAACATCCAATATTTTCTGGATCGGTTTTATACCAACCGCATCTCTTTCCGCATGCTTAT-3'
Protein context (NP_005382.1, residues 135-155): EKFGFDPFIS[Thr145Ser]NIQYFLDRFY

ClinVar aggregate classification (germline): Uncertain significance (1 of 4 stars; one submission).

Conditions:
Charcot-Marie-Tooth disease X-linked dominant 6. Also called: CHARCOT-MARIE-TOOTH NEUROPATHY, X-LINKED DOMINANT, 6. Identifiers: Orphanet 352675, MedGen C3806702, MONDO:0010479, OMIM 300905.

Allele frequency attached by ClinVar (database versions not stated): gnomAD 0.00001.
gnomAD v4.1: 1 of 1,205,000 alleles (0.000083%); highest among the groups gnomAD compares: African/African-American, 0.0017%; no homozygotes.

Submission:

Labcorp Genetics (formerly Invitae), Labcorp
Classification: Uncertain significance for Charcot-Marie-Tooth disease X-linked dominant 6. Last evaluated: 2021-12-17. Review status: criteria provided, single submitter. Criteria: Invitae Variant Classification Sherloc (09022015). Collection method: clinical testing. Allele origin: germline.
Comment: Algorithms developed to predict the effect of missense changes on protein structure and function output the following: SIFT: "Tolerated"; PolyPhen-2: "Benign"; Align-GVGD: "Class C0". The serine amino acid residue is found in multiple mammalian species, which suggests that this missense change does not adversely affect protein function. This variant has not been reported in the literature in individuals affected with PDK3-related conditions. This variant is present in population databases (no rsID available, gnomAD 0.02%), including at least one homozygous and/or hemizygous individual. This sequence change replaces threonine, which is neutral and polar, with serine, which is neutral and polar, at codon 145 of the PDK3 protein (p.Thr145Ser). Algorithms developed to predict the effect of sequence changes on RNA splicing suggest that this variant may create or strengthen a splice site. In summary, the available evidence is currently insufficient to determine the role of this variant in disease. Therefore, it has been classified as a Variant of Uncertain Significance.